The following is an entry in ClinVar:

ClinVar aggregate classification (germline): Uncertain significance (1 of 4 stars; one submission).

Submission:

Labcorp Genetics (formerly Invitae), Labcorp
Classification: Uncertain significance. Last evaluated: 2024-06-19. Review status: criteria provided, single submitter. Criteria: Invitae Variant Classification Sherloc (09022015). Collection method: clinical testing. Allele origin: germline.
Comment: This sequence change replaces valine, which is neutral and non-polar, with glycine, which is neutral and non-polar, at codon 1508 of the ALPK3 protein (p.Val1508Gly). This variant is not present in population databases (gnomAD no frequency). This variant has not been reported in the literature in individuals affected with ALPK3-related conditions. An algorithm developed to predict the effect of missense changes on protein structure and function (PolyPhen-2) suggests that this variant is likely to be disruptive. In summary, the available evidence is currently insufficient to determine the role of this variant in disease. Therefore, it has been classified as a Variant of Uncertain Significance.

NM_020778.5(ALPK3):c.3917T>G (p.Val1306Gly)

Gene: ALPK3 (alpha kinase 3; plus strand). Cytogenetic location: 15q25.3.
Variant type: single nucleotide variant.
Coding change: c.3917T>G on transcript NM_020778.5 (MANE Select); coding-DNA position 3917, T replaced by G.
Protein change: p.Val1306Gly; replaces valine 1306 with glycine.
Molecular consequence: missense variant.
Genome position (GRCh38, 1-based): chr15:84,859,342, T>G. VCF-style: chr15-84859342-T-G. GRCh37 (hg19) VCF-style: chr15-85402573-T-G.
Other names: short protein forms V1306G.
Identifiers: ClinVar variation 3710863 (VCV003710863.2).